The following is an entry in ClinVar:

NM_001276270.2(MBD4):c.1520C>G (p.Ala507Gly)

Gene: MBD4 (methyl-CpG binding domain 4, DNA glycosylase; minus strand). Cytogenetic location: 3q21.3.
Variant type: single nucleotide variant.
Coding change: c.1520C>G on transcript NM_001276270.2 (MANE Select); coding-DNA position 1520, C replaced by G.
Protein change: p.Ala507Gly; replaces alanine 507 with glycine.
Molecular consequence: missense variant.
Genome position (GRCh38, 1-based): chr3:129,433,121, G>C on the plus strand (C>G on the coding strand, the complement: MBD4 is on the minus strand). VCF-style: chr3-129433121-G-C. GRCh37 (hg19) VCF-style: chr3-129151964-G-C.
Other names: c.1538C>G, p.Ala513Gly (NM_001276271.2, NM_001276272.2, NM_003925.3); c.584C>G, p.Ala195Gly (NM_001276273.2); short protein forms A513G, A507G, A195G.
Identifiers: ClinVar variation 4731340 (VCV004731340.1).

ClinVar aggregate classification (germline): Uncertain significance (1 of 4 stars; one submission).

Submission:

Labcorp Genetics (formerly Invitae), Labcorp
Classification: Uncertain significance. Last evaluated: 2025-11-17. Review status: criteria provided, single submitter. Criteria: Invitae Variant Classification Sherloc (09022015). Collection method: clinical testing. Allele origin: germline.
Comment: This sequence change replaces alanine, which is neutral and non-polar, with glycine, which is neutral and non-polar, at codon 513 of the MBD4 protein (p.Ala513Gly). This variant is not present in population databases (gnomAD no frequency). This variant has not been reported in the literature in individuals affected with MBD4-related conditions. An algorithm developed to predict the effect of missense changes on protein structure and function (PolyPhen-2) suggests that this variant is likely to be disruptive. In summary, the available evidence is currently insufficient to determine the role of this variant in disease. Therefore, it has been classified as a Variant of Uncertain Significance.